The following is an entry in ClinVar:

ClinVar aggregate classification (germline): Uncertain significance (1 of 4 stars; one submission).

Conditions:
Hereditary cancer-predisposing syndrome. Also called: Neoplastic Syndromes, Hereditary; Tumor predisposition; Hereditary Cancer Syndrome; Hereditary neoplastic syndrome. Identifiers: Orphanet 140162, MedGen C0027672, MeSH D009386, MONDO:0015356.

Submission:

Ambry Genetics
Classification: Uncertain significance for Hereditary cancer-predisposing syndrome. Last evaluated: 2021-03-27. Review status: criteria provided, single submitter. Criteria: Ambry Variant Classification Scheme 2023. Collection method: clinical testing. Allele origin: germline.
Comment: The p.Y268H variant (also known as c.802T>C), located in coding exon 6 of the BRIP1 gene, results from a T to C substitution at nucleotide position 802. The tyrosine at codon 268 is replaced by histidine, an amino acid with similar properties. This amino acid position is highly conserved in available vertebrate species. In addition, the in silico prediction for this alteration is inconclusive. Since supporting evidence is limited at this time, the clinical significance of this alteration remains unclear.

NM_032043.3(BRIP1):c.802T>C (p.Tyr268His)

Gene: BRIP1 (BRCA1 interacting DNA helicase 1; minus strand). Cytogenetic location: 17q23.2.
Variant type: single nucleotide variant.
Coding change: c.802T>C on transcript NM_032043.3 (MANE Select); coding-DNA position 802, T replaced by C.
Protein change: p.Tyr268His; replaces tyrosine 268 with histidine.
Molecular consequence: missense variant.
Genome position (GRCh38, 1-based): chr17:61,808,583, A>G on the plus strand (T>C on the coding strand, the complement: BRIP1 is on the minus strand). VCF-style: chr17-61808583-A-G. GRCh37 (hg19) VCF-style: chr17-59885944-A-G.
Other names: short protein forms Y268H.
Identifiers: ClinVar variation 1761737 (VCV001761737.2), dbSNP rs2145416045, ClinGen allele CA400484885.